The following is an entry in ClinVar:

NM_001258392.3(CLPB):c.1946G>A (p.Arg649His)

Gene: CLPB (ClpB family mitochondrial disaggregase; minus strand). Cytogenetic location: 11q13.4.
Variant type: single nucleotide variant.
Coding change: c.1946G>A on transcript NM_001258392.3 (MANE Select); coding-DNA position 1946, G replaced by A.
Protein change: p.Arg649His; replaces arginine 649 with histidine.
Molecular consequence: missense variant.
Genome position (GRCh38, 1-based): chr11:72,293,455, C>T on the plus strand (G>A on the coding strand, the complement: CLPB is on the minus strand). VCF-style: chr11-72293455-C-T. GRCh37 (hg19) VCF-style: chr11-72004499-C-T.
Other names: c.2036G>A (NM_030813.5); c.1859G>A, p.Arg620His (NM_001258393.3); c.1901G>A, p.Arg634His (NM_001258394.3); c.2036G>A, p.Arg679His (NM_030813.6); short protein forms R620H, R679H, R649H, R634H.
Identifiers: ClinVar variation 2527934 (VCV002527934.5), dbSNP rs780563254, ClinGen allele CA6170985.

ClinVar aggregate classification (germline): Uncertain significance. Review status: criteria provided, multiple submitters, no conflicts (2 of 4 stars). 3 submissions from 3 submitters: Uncertain significance (3). Last evaluated 2024-10-19.

Conditions:
CLPB-related disorder. Also called: CLPB-related condition.
3-methylglutaconic aciduria, type VIIB (MGCA7B). Also called: 3-methylglutaconic aciduria with cataracts, neurologic involvement and neutropenia; CLPB Deficiency; 3-methylglutaconic aciduria, type VII, with cataracts, neurologic involvement and neutropenia. Identifiers: Orphanet 445038, MedGen C5676893, MONDO:0014561, OMIM 616271.
Inborn genetic diseases. Identifiers: MedGen C0950123, MeSH D030342.

Allele frequency attached by ClinVar (database versions not stated): TOPMed below 0.00001; gnomAD exomes 0.00002; ExAC 0.00003.
gnomAD v4.1: 32 of 1,614,166 alleles (0.002%); highest among the groups gnomAD compares: East Asian, 0.011%; no homozygotes.

Submissions (3):

Labcorp Genetics (formerly Invitae), Labcorp
Classification: Uncertain significance for 3-methylglutaconic aciduria, type VIIB. Last evaluated: 2024-10-19. Review status: criteria provided, single submitter. Criteria: Invitae Variant Classification Sherloc (09022015). Collection method: clinical testing. Allele origin: germline.
Comment: This sequence change replaces arginine, which is basic and polar, with histidine, which is basic and polar, at codon 679 of the CLPB protein (p.Arg679His). This variant is present in population databases (rs780563254, gnomAD 0.02%). This variant has not been reported in the literature in individuals affected with CLPB-related conditions. ClinVar contains an entry for this variant (Variation ID: 2527934). An algorithm developed to predict the effect of missense changes on protein structure and function (PolyPhen-2) suggests that this variant is likely to be tolerated. In summary, the available evidence is currently insufficient to determine the role of this variant in disease. Therefore, it has been classified as a Variant of Uncertain Significance.

PreventionGenetics, part of Exact Sciences
Classification: Uncertain significance for CLPB-related condition. Last evaluated: 2023-04-10. Review status: criteria provided, single submitter. Criteria: ACMG Guidelines, 2015. Collection method: clinical testing. Allele origin: germline.
Comment: The CLPB c.2036G>A variant is predicted to result in the amino acid substitution p.Arg679His. To our knowledge, this variant has not been reported in the literature. This variant is reported in 0.019% of alleles in individuals of Ashkenazi Jewish descent in gnomAD. At this time, the clinical significance of this variant is uncertain due to the absence of conclusive functional and genetic evidence.

Ambry Genetics
Classification: Uncertain significance for Inborn genetic diseases. Last evaluated: 2023-03-22. Review status: criteria provided, single submitter. Criteria: Ambry Variant Classification Scheme 2023. Collection method: clinical testing. Allele origin: germline.